The following is an entry in ClinVar:

NM_000152.5(GAA):c.1210G>A (p.Asp404Asn)

Gene: GAA (alpha glucosidase; plus strand). Cytogenetic location: 17q25.3.
Variant type: single nucleotide variant.
Coding change: c.1210G>A on transcript NM_000152.5 (MANE Select); coding-DNA position 1210, G replaced by A.
Protein change: p.Asp404Asn; replaces aspartic acid 404 with asparagine.
Molecular consequence: missense variant.
Genome position (GRCh38, 1-based): chr17:80,108,712, G>A. VCF-style: chr17-80108712-G-A. GRCh37 (hg19) VCF-style: chr17-78082511-G-A.
Other names: NM_000152.5(GAA):c.1210G>A; p.Asp404Asn; c.1210G>A (LRG_673t1); c.1210G>A, p.Asp404Asn (NM_001079803.3, NM_001079804.3); short protein forms D404N.
Identifiers: ClinVar variation 657348 (VCV000657348.26), dbSNP rs141533320, ClinGen allele CA8815234.

ClinVar aggregate classification (germline): Pathogenic. Review status: reviewed by expert panel (3 of 4 stars). 11 submissions from 11 submitters: Pathogenic (1). 10 of the submissions do not count toward it. Last evaluated 2022-09-21.

Conditions:
Glycogen storage disease, type II (IOPD). Also called: Pompe Disease; GLYCOGENOSIS, GENERALIZED, CARDIAC FORM; GSD II; CARDIOMEGALIA GLYCOGENICA DIFFUSA; Glycogen storage disease type 2; Acid maltase deficiency disease. Identifiers: Orphanet 365, MedGen C0017921, MONDO:0009290, OMIM 232300.

Allele frequency attached by ClinVar (database versions not stated): gnomAD 0.00001; gnomAD exomes 0.00003; ESP Exome Variant Server 0.00015; TOPMed 0.00003; ExAC 0.00004.
gnomAD v4.1: 40 of 1,612,576 alleles (0.0025%); highest among the groups gnomAD compares: East Asian, 0.0089%; no homozygotes.

Submissions 1 to 8 of 11:

ClinGen Lysosomal Storage Disorder Variant Curation Expert Panel
Classification: Pathogenic for Glycogen storage disease, type II. Last evaluated: 2022-09-21. Review status: reviewed by expert panel. Criteria: clingen_lsd_acmg_specifications_v2-1. Collection method: curation. Allele origin: germline. Inheritance: Autosomal recessive inheritance.
Comment: The NM_000152.5:c.1210G>A variant in GAA is a missense variant predicted to cause substitution of aspartate by asparagine at amino acid 404 (p.Asp404Asn). At least 9 individuals with Pompe disease have been reported with this variant including individuals with documentation of deficient GAA activity and/or combination of clinical features of IOPD and on enzyme replacement therapy (PMID: 16433701, 22538254, 25687635, 26497565, 29205646) (PP4_Moderate). Four patients with Pompe disease are compound heterozygous for the variant, phase unknown, and a variant in GAA that has been classified as pathogenic by the ClinGen LSD VCEP, including c.1064T>C (p.Leu355Pro) (PMIDs 22658377, 23787031, 31193175), c.2481+102_2646+31del (PMID 22538254, 31086307), c.2227C>T (p.Gln743Ter) (PMID 25687635, 29205646), and c.2560C>T (p.Arg854Ter) (PMID 26497565) (0.5 points). The variant has also been reported in compound heterozygosity with c.1445C>T (p.Pro482Leu)(PMID 31086307), c.1979G>A (p.Arg660His) (PMID 31086307), and c.1924G>T (p.Val642Phe) (PMID 29122469). The allelic data from these patients will be used in the assessment of the second variant and is not included here to avoid circular logic. The highest population minor allele frequency in a continental population in gnomAD v2.1.1 is 0.00006 (1/15828 alleles) in the African population, which is lower than the ClinGen LSD VCEP’s threshold for PM2_Supporting (<0.001), meeting this criterion (PM2_Supporting). This variant alters amino acid Asp404, a residue that crystallography studies have shown to be important in the active site of GAA, and therefore has been defined as a critical residue by the ClinGen LSD VCEP (PMID: 29061980) (PM1). When expressed in COS or HEK293 cells, this variant resulted in normal intracellular amounts of 110 kDa precursor, 95 kDa intermediate and 76 kDa mature forms of GAA but <2% wild type activity of GAA indicating that this variant may impact protein function (PMID 19862843, 24384324)(PS3_Supporting). The computational predictor REVEL gives a score of 0.869 which is above the threshold of 0.7, evidence that correlates with impact to GAA function (PP3). Four different missense variants, c.1211A>G (p.Asp404Gly), c.1211A>C (p.Asp404Ala), c.1211A>T (p.Asp404Val), and c.1212C>G (p.Asp404Glu), in the same codon have been reported in patients with Pompe disease. The data from this variant (c.1210G>A (p.Asp404Asn) will be used to support the classification of the other missense substitutions of Asp404 and is not included here to avoid circular logic. There is a ClinVar entry for this variant (Variation ID: 657348, 2 star review status) with five submitters classifying the variant as pathogenic and two as likely pathogenic. In summary, this variant meets the criteria to be classified as pathogenic for Pompe disease based on the ACMG/AMP criteria applied, as specified by the ClinGen Lysosomal Storage Disorder Variant Curation Expert Panel (Specifications Version 2.0): PM3_Strong, PM1, PP4_Moderate, PP3, PS3_Supporting, PM2_Supporting. (Classification approved by the ClinGen LSD VCEP on Sept 21, 2022).

Genomenon, Inc
Classification: Pathogenic for Glycogen storage disease, type II. Last evaluated: 2026-07-01. Review status: criteria provided, single submitter. Criteria: Genomenon Sequence Variant Interpretation Standards - Updated. Collection method: curation. Allele origin: germline. Affected: yes. Not counted in ClinVar's aggregate classification.
Comment: GAA p.Asp404Asn (c.1210G>A) is a missense variant that changes the amino acid at codon 404 from Aspartic acid to Asparagine. This variant has been observed in at least one proband with a GAA-related disorder in the compound heterozygous and/or homozygous state (PMID:39802096;39273088;38250073;37414610;34834457;31193175;31086307;29205646;29356433;25687635;16433701;26497565;22658377). At least one functional study has demonstrated a substantial alteration in protein function relative to the wild-type (PMID:19862843;24384324). The variant is located in a mutational hotspot and/or important functional domain. It is absent or not present at a significant frequency in gnomAD. In silico models predict that this variant is possibly or probably damaging. In conclusion, we classify GAA p.Asp404Asn (c.1210G>A) as a pathogenic variant.

Labcorp Genetics (formerly Invitae), Labcorp
Classification: Pathogenic for Glycogen storage disease, type II. Last evaluated: 2025-12-26. Review status: criteria provided, single submitter. Criteria: Invitae Variant Classification Sherloc (09022015). Collection method: clinical testing. Allele origin: germline. Not counted in ClinVar's aggregate classification.
Comment: This sequence change replaces aspartic acid, which is acidic and polar, with asparagine, which is neutral and polar, at codon 404 of the GAA protein (p.Asp404Asn). This variant is present in population databases (rs141533320, gnomAD 0.006%). This missense change has been observed in individual(s) with Pompe disease (PMID: 16433701, 22658377). In at least one individual the data is consistent with being in trans (on the opposite chromosome) from a pathogenic variant. ClinVar contains an entry for this variant (Variation ID: 657348). Invitae Evidence Modeling of protein sequence and biophysical properties (such as structural, functional, and spatial information, amino acid conservation, physicochemical variation, residue mobility, and thermodynamic stability) indicates that this missense variant is expected to disrupt GAA protein function with a positive predictive value of 95%. Experimental studies have shown that this missense change affects GAA function (PMID: 19862843). This variant disrupts the p.Asp404 amino acid residue in GAA. Other variant(s) that disrupt this residue have been observed in individuals with GAA-related conditions (PMID: 23787031, 24384324), which suggests that this may be a clinically significant amino acid residue. For these reasons, this variant has been classified as Pathogenic.

Revvity Omics, Revvity
Classification: Pathogenic. Last evaluated: 2025-04-24. Review status: criteria provided, single submitter. Criteria: ACMG Guidelines, 2015. Collection method: clinical testing. Allele origin: germline. Not counted in ClinVar's aggregate classification.

Natera, Inc.
Classification: Pathogenic for Glycogen storage disease type II. Last evaluated: 2025-04-16. Review status: criteria provided, single submitter. Criteria: Natera Variant Classification Schema (03/2026). Collection method: clinical testing. Allele origin: germline. Not counted in ClinVar's aggregate classification.
Comment: The c.1210G>A variant in GAA is a missense variant predicted to cause substitution of aspartic acid to asparagine at amino acid 404. This variant is rare in the general population with a frequency below the threshold expected for the associated phenotype(s). This variant has been observed in one or more individuals affected with the associated recessive disease, as either homozygous or compound heterozygous with a second variant (PMID: 31086307). This variant is located in a functionally critical region of the protein. Computational prediction algorithms indicate this variant is likely to affect gene or protein function. Given the available evidence, this variant is classified as Pathogenic.

GeneDx
Classification: Pathogenic. Last evaluated: 2022-12-08. Review status: criteria provided, single submitter. Criteria: GeneDx Variant Classification Process June 2021. Collection method: clinical testing. Allele origin: germline. Affected: yes. Not counted in ClinVar's aggregate classification.
Comment: Published functional studies demonstrate a significant reduction of GAA activity (Flanagan et al., 2009); Not observed at significant frequency in large population cohorts (gnomAD); This variant is associated with the following publications: (PMID: 16433701, 31254424, 26497565, 29205646, 22538254, 22658377, 25687635, 23787031, 29122469, 31086307, 19862843)

3billion
Classification: Pathogenic for Glycogen storage disease, type II. Last evaluated: 2022-03-22. Review status: criteria provided, single submitter. Criteria: ACMG Guidelines, 2015. Collection method: clinical testing. Allele origin: germline. Affected: yes. Observed: 1 heterozygote. Not counted in ClinVar's aggregate classification.
Comment: Same or different nucleotide change resulting in same amino acid change has been previously reported as pathogenic/likely pathogenic with strong evidence (ClinVar ID: VCV000657348, PMID:16433701). The variant has been reported to be in trans with a pathogenic variant as either compound heterozygous or homozygous in at least one similarly affected unrelated individual(PMID: 16433701). A different missense change at the same codon has been reported as pathogenic/likely pathogenic with strong evidence (ClinVar ID: VCV000959950, PMID:24384324,30155607). In silico tool predictions suggest damaging effect of the variant on gene or gene product (REVEL: 0.869>=0.6, 3CNET: 0.975>=0.75). It is observed at an extremely low frequency in the gnomAD v2.1.1 dataset (total allele frequency:0.0000322). Therefore, this variant is classified as pathogenic according to the recommendation of ACMG/AMP guideline.

AiLife Diagnostics
Classification: Pathogenic. Last evaluated: 2022-02-17. Review status: criteria provided, single submitter. Criteria: ACMG Guidelines, 2015. Collection method: clinical testing. Allele origin: germline. Affected: yes. Observed: 1 variant allele. Not counted in ClinVar's aggregate classification.